The following is an entry in ClinVar:

NM_018706.7(DHTKD1):c.124G>A (p.Glu42Lys)

Genes: DHTKD1 (dehydrogenase E1 and transketolase domain containing 1; plus strand), LOC130003343 (ATAC-STARR-seq lymphoblastoid silent region 2137; plus strand). Cytogenetic location: 10p14.
Variant type: single nucleotide variant.
Coding change: c.124G>A on transcript NM_018706.7 (MANE Select); coding-DNA position 124, G replaced by A.
Protein change: p.Glu42Lys; replaces glutamic acid 42 with lysine.
Molecular consequence: missense variant.
Genome position (GRCh38, 1-based): chr10:12,069,157, G>A. VCF-style: chr10-12069157-G-A. GRCh37 (hg19) VCF-style: chr10-12111156-G-A.
Other names: short protein forms E42K.
Identifiers: ClinVar variation 2762240 (VCV002762240.3), dbSNP rs2491445844, ClinGen allele CA376012097.
Genomic context (GRCh38, chr10:12,069,157, plus strand): 5'-CGTGGCTACCAGACCGAGCGGGGCGTTTACGGCTACCGGCCGAGGAAGCCCGAGAGCCGC[G>A]AGCCCCAGGGCGCCCTGGAGCGCCCCCCAGGTCGGGGATGGGGCCCGGGCGGTGGGAGCG-3'
Protein context (NP_061176.4, residues 32-52): GYRPRKPESR[Glu42Lys]PQGALERPPV

ClinVar aggregate classification (germline): Uncertain significance (1 of 4 stars; one submission).

Conditions:
2-aminoadipic 2-oxoadipic aciduria (AAKAD). Also called: Aminoadipic aciduria; ALPHA-AMINOADIPIC AND ALPHA-KETOADIPIC ACIDURIA. Identifiers: Orphanet 79154, MedGen C1859817, MONDO:0008774, OMIM 204750.

Allele frequency attached by ClinVar (database versions not stated): gnomAD exomes below 0.00001.

Submission:

Labcorp Genetics (formerly Invitae), Labcorp
Classification: Uncertain significance for 2-aminoadipic 2-oxoadipic aciduria. Last evaluated: 2023-09-21. Review status: criteria provided, single submitter. Criteria: Invitae Variant Classification Sherloc (09022015). Collection method: clinical testing. Allele origin: germline.
Comment: This sequence change replaces glutamic acid, which is acidic and polar, with lysine, which is basic and polar, at codon 42 of the DHTKD1 protein (p.Glu42Lys). This variant is not present in population databases (gnomAD no frequency). This variant has not been reported in the literature in individuals affected with DHTKD1-related conditions. Algorithms developed to predict the effect of missense changes on protein structure and function output the following: SIFT: "Not Available"; PolyPhen-2: "Benign"; Align-GVGD: "Not Available". The lysine amino acid residue is found in multiple mammalian species, which suggests that this missense change does not adversely affect protein function. In summary, the available evidence is currently insufficient to determine the role of this variant in disease. Therefore, it has been classified as a Variant of Uncertain Significance.